The following is an entry in ClinVar:

NM_000321.3(RB1):c.1345G>A (p.Gly449Arg)

Gene: RB1 (RB transcriptional corepressor 1; plus strand). Cytogenetic location: 13q14.2.
Variant type: single nucleotide variant.
Coding change: c.1345G>A on transcript NM_000321.3 (MANE Select); coding-DNA position 1345, G replaced by A.
Protein change: p.Gly449Arg; replaces glycine 449 with arginine.
Molecular consequence: missense variant.
Genome position (GRCh38, 1-based): chr13:48,379,606, G>A. VCF-style: chr13-48379606-G-A. GRCh37 (hg19) VCF-style: chr13-48953742-G-A.
Other names: short protein forms G449R.
Identifiers: ClinVar variation 428669 (VCV000428669.14), dbSNP rs1131690851, ClinGen allele CA388162556.
Genomic context (GRCh38, chr13:48,379,606, plus strand): 5'-GATTTTCTAAAATAGCAGGCTCTTATTTTTCTTTTTGTTTGTTTGTAGCGATACAAACTT[G>A]GAGTTCGCTTGTATTACCGAGTAATGGAATCCATGCTTAAATCAGTAAGTTAAAAACAAT-3'
Protein context (NP_000312.2, residues 439-459): VEIGSQRYKL[Gly449Arg]VRLYYRVMES

ClinVar aggregate classification (germline): Pathogenic/Likely pathogenic. Review status: criteria provided, multiple submitters, no conflicts (2 of 4 stars). 3 submissions from 3 submitters: Pathogenic (2); Likely pathogenic (1). Last evaluated 2024-05-20.

Conditions:
Hereditary cancer-predisposing syndrome. Also called: Hereditary Cancer Syndrome; Neoplastic Syndromes, Hereditary; Hereditary neoplastic syndrome; Tumor predisposition. Identifiers: Orphanet 140162, MedGen C0027672, MeSH D009386, MONDO:0015356.
Retinoblastoma (RB1). Also called: RETINOBLASTOMA, SOMATIC. Identifiers: Orphanet 790, MedGen C0035335, MeSH D012175, MONDO:0008380, OMIM 180200, HP:0009919. Disease mechanism: loss of function. Inheritance: Both sporadic and heritable forms are tested..

Submissions (3):

Genetic Diagnostic Laboratory, University of Pennsylvania School of Medicine
Classification: Likely pathogenic for Retinoblastoma. Last evaluated: 2024-05-20. Review status: criteria provided, single submitter. Criteria: ACMG Guidelines, 2015. Collection method: clinical testing. Allele origin: germline. Affected: yes. Observed: 1 variant allele.
Comment: Case and Pedigree Information: BILATERAL CASES:1, UNILATERAL CASES:0, TOTAL CASES:1, PEDIGREES:1. ACMG Codes Applied:PM1, PM2

Labcorp Genetics (formerly Invitae), Labcorp
Classification: Pathogenic for Retinoblastoma. Last evaluated: 2020-02-17. Review status: criteria provided, single submitter. Criteria: Invitae Variant Classification Sherloc (09022015). Collection method: clinical testing. Allele origin: germline.
Comment: For these reasons, this variant has been classified as Pathogenic. Algorithms developed to predict the effect of missense changes on protein structure and function (SIFT, PolyPhen-2, Align-GVGD) all suggest that this variant is likely to be disruptive, but these predictions have not been confirmed by published functional studies and their clinical significance is uncertain. This sequence change replaces glycine with arginine at codon 449 of the RB1 protein (p.Gly449Arg). The glycine residue is highly conserved and there is a moderate physicochemical difference between glycine and arginine. This variant is not present in population databases (ExAC no frequency). This variant has been reported to be de novo in individuals affected with bilateral retinoblastoma (PMID: 28193182, Invitae) and has been observed to segregate with retinoblastoma in a family (PMID: 17096365). The variant is also known as g.76442G>A in the literature. ClinVar contains an entry for this variant (Variation ID: 428669).

Ambry Genetics
Classification: Pathogenic for Hereditary cancer-predisposing syndrome. Last evaluated: 2012-10-02. Review status: criteria provided, single submitter. Criteria: Ambry Autosomal Dominant and X-Linked criteria (10/2015). Collection method: clinical testing. Allele origin: germline. Observed: 1 variant allele.
Comment: Co-segregation data for this variant is currently unavailable. This variant has not been detected in conjunction with a pathogenic mutation to date. Allele frequency data in population-based cohorts is not currently available. This amino acid position is completely conserved on sequence alignment.This alteration is predicted to be deleterious with a score of 0.010 (conservation: 1.79)

Literature cited by the submitters: PubMed 28193182 (cited by Labcorp Genetics (formerly Invitae), Labcorp); PubMed 17096365 (cited by Labcorp Genetics (formerly Invitae), Labcorp).